The following is an entry in ClinVar:

NM_021625.5(TRPV4):c.686C>T (p.Ser229Leu)

Gene: TRPV4 (transient receptor potential cation channel subfamily V member 4; minus strand). Cytogenetic location: 12q24.11.
Variant type: single nucleotide variant.
Coding change: c.686C>T on transcript NM_021625.5 (MANE Select); coding-DNA position 686, C replaced by T.
Protein change: p.Ser229Leu; replaces serine 229 with leucine.
Molecular consequence: missense variant.
Genome position (GRCh38, 1-based): chr12:109,803,017, G>A on the plus strand (C>T on the coding strand, the complement: TRPV4 is on the minus strand). VCF-style: chr12-109803017-G-A. GRCh37 (hg19) VCF-style: chr12-110240822-G-A.
Other names: p.Ser229Leu; c.686C>T, p.Ser229Leu (NM_001177428.2, NM_001177433.2, NM_147204.3); c.584C>T, p.Ser195Leu (NM_001177431.2); short protein forms S229L, S195L.
Identifiers: ClinVar variation 571363 (VCV000571363.15), dbSNP rs373980330, ClinGen allele CA243471043.

ClinVar aggregate classification (germline): Uncertain significance. Review status: criteria provided, multiple submitters, no conflicts (2 of 4 stars). 3 submissions from 3 submitters: Uncertain significance (3). Last evaluated 2025-06-27.

Conditions:
Charcot-Marie-Tooth disease axonal type 2C (HMSN2C). Also called: Charcot-Marie-Tooth Disease Type 2, TRPV4-Related (CMT2C); CHARCOT-MARIE-TOOTH DISEASE, AXONAL, AUTOSOMAL DOMINANT, TYPE 2C; Charcot-Marie-Tooth Neuropathy Type 2C. Identifiers: Orphanet 99937, MedGen C1853710, MONDO:0011633, OMIM 606071.
Neuronopathy, distal hereditary motor, autosomal dominant 8. Also called: NEURONOPATHY, DISTAL HEREDITARY MOTOR, TYPE VIII; NEUROPATHY, DISTAL HEREDITARY MOTOR, TYPE VIII; SPINAL MUSCULAR ATROPHY, CONGENITAL BENIGN, WITH CONTRACTURES; Autosomal dominant congenital benign spinal muscular atrophy. Identifiers: Orphanet 1216, MedGen C1838492, MONDO:0010839, OMIM 600175.

Allele frequency attached by ClinVar (database versions not stated): gnomAD exomes below 0.00001 and 0.00001; gnomAD 0.00001; TOPMed 0.00002; ESP Exome Variant Server 0.00008.
gnomAD v4.1: 21 of 1,613,938 alleles (0.0013%); highest among the groups gnomAD compares: African/African-American, 0.004%; no homozygotes.

Submissions (3):

Labcorp Genetics (formerly Invitae), Labcorp
Classification: Uncertain significance for Charcot-Marie-Tooth disease axonal type 2C. Last evaluated: 2025-06-27. Review status: criteria provided, single submitter. Criteria: Invitae Variant Classification Sherloc (09022015). Collection method: clinical testing. Allele origin: germline.
Comment: This sequence change replaces serine, which is neutral and polar, with leucine, which is neutral and non-polar, at codon 229 of the TRPV4 protein (p.Ser229Leu). This variant is present in population databases (rs373980330, gnomAD 0.003%). This missense change has been observed in individual(s) with clinical features of TRPV4-related conditions (internal data). ClinVar contains an entry for this variant (Variation ID: 571363). Invitae Evidence Modeling of protein sequence and biophysical properties (such as structural, functional, and spatial information, amino acid conservation, physicochemical variation, residue mobility, and thermodynamic stability) has been performed for this missense variant. However, the output from this modeling did not meet the statistical confidence thresholds required to predict the impact of this variant on TRPV4 protein function. In summary, the available evidence is currently insufficient to determine the role of this variant in disease. Therefore, it has been classified as a Variant of Uncertain Significance.

Mayo Clinic Laboratories, Mayo Clinic
Classification: Uncertain significance. Last evaluated: 2023-05-30. Review status: criteria provided, single submitter. Criteria: ACMG Guidelines, 2015. Collection method: clinical testing. Allele origin: germline. Observed: 1 variant allele.

GeneDx
Classification: Uncertain significance. Last evaluated: 2020-10-21. Review status: criteria provided, single submitter. Criteria: GeneDx Variant Classification Process June 2021. Collection method: clinical testing. Allele origin: germline. Affected: yes.
Comment: Has not been previously published as pathogenic or benign to our knowledge; Not observed at a significant frequency in large population cohorts (Lek et al., 2016); In silico analysis, which includes protein predictors and evolutionary conservation, supports that this variant does not alter protein structure/function